The following is an entry in ClinVar:

NM_001041.4(SI):c.5446G>A (p.Val1816Ile)

Gene: SI (sucrase-isomaltase; minus strand). Cytogenetic location: 3q26.1.
Variant type: single nucleotide variant.
Coding change: c.5446G>A on transcript NM_001041.4 (MANE Select); coding-DNA position 5446, G replaced by A.
Protein change: p.Val1816Ile; replaces valine 1816 with isoleucine.
Molecular consequence: missense variant.
Genome position (GRCh38, 1-based): chr3:164,979,400, C>T on the plus strand (G>A on the coding strand, the complement: SI is on the minus strand). VCF-style: chr3-164979400-C-T. GRCh37 (hg19) VCF-style: chr3-164697188-C-T.
Other names: short protein forms V1816I.
Identifiers: ClinVar variation 2109591 (VCV002109591.4), dbSNP rs1175906773, ClinGen allele CA355107215.

ClinVar aggregate classification (germline): Uncertain significance (1 of 4 stars; one submission).

Allele frequency attached by ClinVar (database versions not stated): gnomAD exomes below 0.00001; TOPMed below 0.00001; gnomAD 0.00001.
gnomAD v4.1: 2 of 1,585,900 alleles (0.00013%); highest among the groups gnomAD compares: African/African-American, 0.0013%; no homozygotes.

Submission:

Labcorp Genetics (formerly Invitae), Labcorp
Classification: Uncertain significance. Last evaluated: 2022-03-12. Review status: criteria provided, single submitter. Criteria: Invitae Variant Classification Sherloc (09022015). Collection method: clinical testing. Allele origin: germline.
Comment: In summary, the available evidence is currently insufficient to determine the role of this variant in disease. Therefore, it has been classified as a Variant of Uncertain Significance. This sequence change replaces valine, which is neutral and non-polar, with isoleucine, which is neutral and non-polar, at codon 1816 of the SI protein (p.Val1816Ile). This variant is not present in population databases (gnomAD no frequency). This variant has not been reported in the literature in individuals affected with SI-related conditions. Advanced modeling of protein sequence and biophysical properties (such as structural, functional, and spatial information, amino acid conservation, physicochemical variation, residue mobility, and thermodynamic stability) performed at Invitae indicates that this missense variant is not expected to disrupt SI protein function.